The following is an entry in ClinVar:

NM_024312.5(GNPTAB):c.772-1del

Gene: GNPTAB (N-acetylglucosamine-1-phosphate transferase subunits alpha and beta; minus strand). Cytogenetic location: 12q23.2.
Variant type: Deletion.
Coding change: c.772-1del on transcript NM_024312.5 (MANE Select); the canonical splice acceptor site of the intron before coding-DNA position 772, one base deleted (G; older notation c.772-1delG).
Molecular consequence: splice acceptor variant.
Genome position (GRCh38, 1-based): chr12:101,771,158, C deleted on the plus strand (G on the coding strand, the reverse complement: GNPTAB is on the minus strand). VCF-style (leftmost placement, unchanged base first): chr12-101771157-AC-A. GRCh37 (hg19) VCF-style: chr12-102164935-AC-A.
Identifiers: ClinVar variation 5004531 (VCV005004531.1).

ClinVar aggregate classification (germline): Uncertain significance (1 of 4 stars; one submission).

Conditions:
GNPTAB-mucolipidosis. Also called: UDP-N-acetylglucosamine-1-phosphotransferase subunit alpha/beta deficiency. Identifiers: MedGen CN322573, MONDO:0100122.

Submission:

Myriad Genetics, Inc.
Classification: Uncertain significance for GNPTAB-mucolipidosis. Last evaluated: 2026-03-13. Review status: criteria provided, single submitter. Criteria: Myriad Autosomal Dominant, Autosomal Recessive and X-Linked Classification Criteria (2023). Collection method: clinical testing. Allele origin: unknown.
Comment: NM_024312.4(GNPTAB):c.772-1delG is a variant in a canonical splice site classified as a variant of uncertain significance in the context of GNPTAB-related disorders. c.772-1delG has not been observed in cases with relevant disease. Relevant functional assessments of this variant are not available in the literature. c.772-1delG has been observed in referenced population frequency databases. In summary, there is insufficient evidence to classify NM_024312.4(GNPTAB):c.772-1delG as pathogenic or benign. Please note: this variant was assessed in the context of healthy population screening.